The following is an entry in ClinVar:

ClinVar aggregate classification (germline): Uncertain significance (1 of 4 stars; one submission).

Submission:

Labcorp Genetics (formerly Invitae), Labcorp
Classification: Uncertain significance. Last evaluated: 2022-09-20. Review status: criteria provided, single submitter. Criteria: Invitae Variant Classification Sherloc (09022015). Collection method: clinical testing. Allele origin: germline.
Comment: In summary, the available evidence is currently insufficient to determine the role of this variant in disease. Therefore, it has been classified as a Variant of Uncertain Significance. Algorithms developed to predict the effect of missense changes on protein structure and function are either unavailable or do not agree on the potential impact of this missense change (SIFT: "Deleterious"; PolyPhen-2: "Probably Damaging"; Align-GVGD: "Class C0"). This variant has not been reported in the literature in individuals affected with ALPK3-related conditions. This variant is not present in population databases (gnomAD no frequency). This sequence change replaces valine, which is neutral and non-polar, with methionine, which is neutral and non-polar, at codon 1518 of the ALPK3 protein (p.Val1518Met).

NM_020778.5(ALPK3):c.3946G>A (p.Val1316Met)

Gene: ALPK3 (alpha kinase 3; plus strand). Cytogenetic location: 15q25.3.
Variant type: single nucleotide variant.
Coding change: c.3946G>A on transcript NM_020778.5 (MANE Select); coding-DNA position 3946, G replaced by A.
Protein change: p.Val1316Met; replaces valine 1316 with methionine.
Molecular consequence: missense variant.
Genome position (GRCh38, 1-based): chr15:84,859,371, G>A. VCF-style: chr15-84859371-G-A. GRCh37 (hg19) VCF-style: chr15-85402602-G-A.
Other names: short protein forms V1316M.
Identifiers: ClinVar variation 1719893 (VCV001719893.5), dbSNP rs2505724064, ClinGen allele CA393361699.